The following is an entry in ClinVar:

ClinVar aggregate classification (germline): Uncertain significance (1 of 4 stars; one submission).

Conditions:
Kabuki syndrome. Also called: NIIKAWA-KUROKI SYNDROME; Kabuki make-up syndrome. Identifiers: Orphanet 2322, MedGen C0796004, MONDO:0016512.

Allele frequency attached by ClinVar (database versions not stated): gnomAD 0.00001; gnomAD exomes 0.00001; TOPMed 0.00001.
gnomAD v4.1: 4 of 1,603,752 alleles (0.00025%); highest among the groups gnomAD compares: Non-Finnish European, 0.00034%; no homozygotes.

Submission:

Labcorp Genetics (formerly Invitae), Labcorp
Classification: Uncertain significance for Kabuki syndrome. Last evaluated: 2024-10-21. Review status: criteria provided, single submitter. Criteria: Invitae Variant Classification Sherloc (09022015). Collection method: clinical testing. Allele origin: germline.
Comment: This sequence change replaces isoleucine, which is neutral and non-polar, with valine, which is neutral and non-polar, at codon 3136 of the KMT2D protein (p.Ile3136Val). This variant is not present in population databases (gnomAD no frequency). This variant has not been reported in the literature in individuals affected with KMT2D-related conditions. ClinVar contains an entry for this variant (Variation ID: 2194238). Invitae Evidence Modeling of protein sequence and biophysical properties (such as structural, functional, and spatial information, amino acid conservation, physicochemical variation, residue mobility, and thermodynamic stability) indicates that this missense variant is not expected to disrupt KMT2D protein function with a negative predictive value of 95%. In summary, the available evidence is currently insufficient to determine the role of this variant in disease. Therefore, it has been classified as a Variant of Uncertain Significance.

NM_003482.4(KMT2D):c.9406A>G (p.Ile3136Val)

Gene: KMT2D (lysine methyltransferase 2D; minus strand). Cytogenetic location: 12q13.12.
Variant type: single nucleotide variant.
Coding change: c.9406A>G on transcript NM_003482.4 (MANE Select); coding-DNA position 9406, A replaced by G.
Protein change: p.Ile3136Val; replaces isoleucine 3136 with valine.
Molecular consequence: missense variant.
Genome position (GRCh38, 1-based): chr12:49,037,950, T>C on the plus strand (A>G on the coding strand, the complement: KMT2D is on the minus strand). VCF-style: chr12-49037950-T-C. GRCh37 (hg19) VCF-style: chr12-49431733-T-C.
Other names: short protein forms I3136V.
Identifiers: ClinVar variation 2194238 (VCV002194238.4), dbSNP rs1943305230, ClinGen allele CA384738224.